The following is an entry in ClinVar:

NM_001077350.3(NPRL3):c.768-10T>G

Genes: HBA-LCR (alpha-globin locus control region; plus strand), NPRL3 (NPR3 like, GATOR1 complex subunit; minus strand). Cytogenetic location: 16p13.3.
Variant type: single nucleotide variant.
Coding change: c.768-10T>G on transcript NM_001077350.3 (MANE Select); 10 bases into the intron before coding-DNA position 768, T replaced by G.
Molecular consequence: intron variant.
Genome position (GRCh38, 1-based): chr16:98,311, A>C on the plus strand (T>G on the coding strand, the complement: NPRL3 is on the minus strand). VCF-style: chr16-98311-A-C. GRCh37 (hg19) VCF-style: chr16-148309-A-C.
Other names: c.534-10T>G (NM_001243247.2); c.693-10T>G (NM_001243248.2, NM_001243249.2); c.231-10T>G (NM_001039476.3).
Identifiers: ClinVar variation 723347 (VCV000723347.14), dbSNP rs566886246, ClinGen allele CA7769534.

ClinVar aggregate classification (germline): Benign/Likely benign. Review status: criteria provided, multiple submitters, no conflicts (2 of 4 stars). 3 submissions from 3 submitters: Benign (1); Likely benign (1). 1 of the submissions does not count toward it. Last evaluated 2025-03-30.

Conditions:
Epilepsy, familial focal, with variable foci 3 (FFEVF3). Identifiers: MedGen C4310708, MONDO:0014925, OMIM 617118.
NPRL3-related disorder. Also called: NPRL3-related condition.

Allele frequency attached by ClinVar (database versions not stated): gnomAD below 0.00001 and 0.00012; TOPMed 0.00003; gnomAD exomes 0.00043; ExAC 0.00062; 1000 Genomes Project 30x 0.00125; 1000 Genomes Project 0.00140.
gnomAD v4.1: 384 of 1,609,842 alleles (0.024%); highest among the groups gnomAD compares: South Asian, 0.4%; 6 homozygotes.

Submissions (3):

Labcorp Genetics (formerly Invitae), Labcorp
Classification: Benign for Epilepsy, familial focal, with variable foci 3. Last evaluated: 2025-03-30. Review status: criteria provided, single submitter. Criteria: Invitae Variant Classification Sherloc (09022015). Collection method: clinical testing. Allele origin: germline.

Blueprint Genetics
Classification: Likely benign. Last evaluated: 2024-09-24. Review status: criteria provided, single submitter. Criteria: ACMG Guidelines, 2015. Collection method: clinical testing. Allele origin: germline.

PreventionGenetics, part of Exact Sciences
Classification: Likely benign for NPRL3-related condition. Last evaluated: 2021-10-04. Review status: no assertion criteria provided. Collection method: clinical testing. Allele origin: germline. Not counted in ClinVar's aggregate classification.
Comment: This variant is classified as likely benign based on ACMG/AMP sequence variant interpretation guidelines (Richards et al. 2015 PMID: 25741868, with internal and published modifications).